The following is an entry in ClinVar:

ClinVar aggregate classification (germline): Uncertain significance (1 of 4 stars; one submission).

Submission:

Labcorp Genetics (formerly Invitae), Labcorp
Classification: Uncertain significance. Last evaluated: 2022-03-17. Review status: criteria provided, single submitter. Criteria: Invitae Variant Classification Sherloc (09022015). Collection method: clinical testing. Allele origin: germline.
Comment: This sequence change falls in intron 11 of the RCBTB1 gene. It does not directly change the encoded amino acid sequence of the RCBTB1 protein. This variant is not present in population databases (gnomAD no frequency). This variant has not been reported in the literature in individuals affected with RCBTB1-related conditions. Algorithms developed to predict the effect of sequence changes on RNA splicing suggest that this variant may disrupt the consensus splice site. In summary, the available evidence is currently insufficient to determine the role of this variant in disease. Therefore, it has been classified as a Variant of Uncertain Significance.

NM_018191.4(RCBTB1):c.1324+5TG[3]

Gene: RCBTB1 (RCC1 and BTB domain containing protein 1; minus strand). Cytogenetic location: 13q14.2.
Variant type: Microsatellite.
Coding change: c.1324+5TG[3] on transcript NM_018191.4 (MANE Select); three copies in a row of the 2-base unit TG starting at c.1324+5; the reference has two copies in a row; one copy, 2 bases duplicated.
Molecular consequence: intron variant.
Genome position (GRCh38, 1-based): chr13:49,541,668-49,541,669, CA duplicated on the plus strand (TG on the coding strand, the reverse complement: RCBTB1 is on the minus strand); duplicating any 2 consecutive bases within chr13:49,541,668-49,541,671 gives the same sequence; the position shown is the placement nearest the transcript's 3' end. VCF-style (leftmost placement, unchanged base first): chr13-49541667-C-CCA. GRCh37 (hg19) VCF-style: chr13-50115803-C-CCA.
Other names: c.1324+5TG[3] (NM_001352501.2, NM_001352502.2, NM_001352503.2 and 2 more transcripts); c.745+5TG[3] (NM_001352506.2).
Identifiers: ClinVar variation 2113217 (VCV002113217.1), dbSNP rs2547416092, ClinGen allele CA2580614729.
Genomic context (GRCh38, chr13:49,541,667, plus strand): 5'-CAGGACTAAGAATATGAGGGGATATATTCTCCACCATGCGGCTCGTCCATCCCAATGCTA[C>CCA]CACAGTACCTATAGCATCTTCTGGCGGCAGGTCGACTGTGTCTGTGTAGAGGTACTGGAG-3'